The following is an entry in ClinVar:

NM_000069.3(CACNA1S):c.2690G>A (p.Arg897Lys)

Gene: CACNA1S (calcium voltage-gated channel subunit alpha1 S; minus strand). Cytogenetic location: 1q32.1.
Variant type: single nucleotide variant.
Coding change: c.2690G>A on transcript NM_000069.3 (MANE Select); coding-DNA position 2690, G replaced by A.
Protein change: p.Arg897Lys; replaces arginine 897 with lysine.
Molecular consequence: missense variant.
Genome position (GRCh38, 1-based): chr1:201,066,284, C>T on the plus strand (G>A on the coding strand, the complement: CACNA1S is on the minus strand). VCF-style: chr1-201066284-C-T. GRCh37 (hg19) VCF-style: chr1-201035412-C-T.
Other names: short protein forms R897K.
Identifiers: ClinVar variation 473979 (VCV000473979.9), dbSNP rs1287079817, ClinGen allele CA344102557.

ClinVar aggregate classification (germline): Pathogenic (1 of 4 stars; one submission).

Conditions:
Malignant hyperthermia, susceptibility to, 5 (MHS5). Also called: CACNA1S-Related Malignant Hyperthermia Susceptibility. Identifiers: Orphanet 423, MedGen C1866077, MONDO:0011163, OMIM 601887.
Hypokalemic periodic paralysis, type 1. Also called: HypoPP; Hypokalemic Periodic Paralysis Type 1 (AD). Identifiers: Orphanet 681, MedGen C3714580, MONDO:0042979, OMIM 170400.

Submission:

Labcorp Genetics (formerly Invitae), Labcorp
Classification: Pathogenic for Hypokalemic periodic paralysis, type 1; Malignant hyperthermia, susceptibility to, 5. Last evaluated: 2025-10-01. Review status: criteria provided, single submitter. Criteria: Invitae Variant Classification Sherloc (09022015). Collection method: clinical testing. Allele origin: germline.
Comment: This sequence change replaces arginine, which is basic and polar, with lysine, which is basic and polar, at codon 897 of the CACNA1S protein (p.Arg897Lys). This variant is not present in population databases (gnomAD no frequency). This missense change has been observed in individuals with autosomal dominant hypokalemic periodic paralysis (PMID: 33005891). ClinVar contains an entry for this variant (Variation ID: 473979). Invitae Evidence Modeling of protein sequence and biophysical properties (such as structural, functional, and spatial information, amino acid conservation, physicochemical variation, residue mobility, and thermodynamic stability) has been performed for this missense variant. However, the output from this modeling did not meet the statistical confidence thresholds required to predict the impact of this variant on CACNA1S protein function. Experimental studies have shown that this missense change affects CACNA1S function (PMID: 33005891). This variant disrupts the p.Arg897 amino acid residue in CACNA1S. Other variant(s) that disrupt this residue have been determined to be pathogenic (PMID: 18835861, 22901280). This suggests that this residue is clinically significant, and that variants that disrupt this residue are likely to be disease-causing. For these reasons, this variant has been classified as Pathogenic.

Literature cited by the submitters: PubMed 33005891; PubMed 18835861; PubMed 22901280.